The following is an entry in ClinVar:

NM_006231.4(POLE):c.5201T>C (p.Leu1734Pro)

Gene: POLE (DNA polymerase epsilon, catalytic subunit; minus strand). Cytogenetic location: 12q24.33.
Variant type: single nucleotide variant.
Coding change: c.5201T>C on transcript NM_006231.4 (MANE Select); coding-DNA position 5201, T replaced by C.
Protein change: p.Leu1734Pro; replaces leucine 1734 with proline.
Molecular consequence: missense variant.
Genome position (GRCh38, 1-based): chr12:132,641,824, A>G on the plus strand (T>C on the coding strand, the complement: POLE is on the minus strand). VCF-style: chr12-132641824-A-G. GRCh37 (hg19) VCF-style: chr12-133218410-A-G.
Other names: short protein forms L1734P.
Identifiers: ClinVar variation 4841536 (VCV004841536.1).
Genomic context (GRCh38, chr12:132,641,824, plus strand): 5'-ATGCTGTCGGCCCCCTCCATGTCGTTGACATGGTGAGACTGGAGAATGGTGTTGACGGCC[A>G]GGTTCTGAAGGTCCAGCTCCACACACACTGCACAGGAAGACGCCATGCTCAGCCAGCATC-3'
Protein context (NP_006222.2, residues 1724-1744): TVCVELDLQN[Leu1734Pro]AVNTILQSHH

ClinVar aggregate classification (germline): Uncertain significance (1 of 4 stars; one submission).

Conditions:
Hereditary cancer-predisposing syndrome. Also called: Neoplastic Syndromes, Hereditary; Tumor predisposition; Hereditary Cancer Syndrome; Hereditary neoplastic syndrome. Identifiers: Orphanet 140162, MedGen C0027672, MeSH D009386, MONDO:0015356.

gnomAD v4.1: 1 of 1,601,326 alleles (0.000062%); highest among the groups gnomAD compares: Non-Finnish European, 0.000085%; no homozygotes.

Submission:

Ambry Genetics
Classification: Uncertain significance for Hereditary cancer-predisposing syndrome. Last evaluated: 2025-12-23. Review status: criteria provided, single submitter. Criteria: Ambry Variant Classification Scheme 2023. Collection method: clinical testing. Allele origin: germline.
Comment: The p.L1734P variant (also known as c.5201T>C), located in coding exon 39 of the POLE gene, results from a T to C substitution at nucleotide position 5201. The leucine at codon 1734 is replaced by proline, an amino acid with similar properties. This amino acid position is highly conserved in available vertebrate species. In addition, this alteration is predicted to be deleterious by in silico analysis. Based on the available evidence, the clinical significance of this variant remains unclear.